The following is an entry in ClinVar:

NM_001715.3(BLK):c.335T>C (p.Phe112Ser)

Gene: BLK (BLK proto-oncogene, Src family tyrosine kinase). Cytogenetic location: 8p23.1.
Variant type: single nucleotide variant.
Coding change: c.335T>C on transcript NM_001715.3 (MANE Select); coding-DNA position 335, T replaced by C.
Protein change: p.Phe112Ser; replaces phenylalanine 112 with serine.
Molecular consequence: missense variant.
Genome position (GRCh38, 1-based): chr8:11,549,089, T>C. VCF-style: chr8-11549089-T-C. GRCh37 (hg19) VCF-style: chr8-11406598-T-C.
Other names: c.122T>C, p.Phe41Ser (NM_001330465.2); short protein forms F112S, F41S.
Identifiers: ClinVar variation 393411 (VCV000393411.22), dbSNP rs115068920, ClinGen allele CA4629831.

ClinVar aggregate classification (germline): Benign/Likely benign. Review status: criteria provided, multiple submitters, no conflicts (2 of 4 stars). 6 submissions from 6 submitters: Benign (4); Likely benign (2). Last evaluated 2026-05-01.

Conditions:
Monogenic diabetes. Identifiers: Orphanet 183625, MedGen C3888631, MONDO:0015967.

Allele frequency attached by ClinVar (database versions not stated): gnomAD 0.00482 and 0.00517; 1000 Genomes Project 0.00499; TOPMed 0.00544; 1000 Genomes Project 30x 0.00547; ESP Exome Variant Server 0.00684; gnomAD exomes 0.00137; ExAC 0.00206.
gnomAD v4.1: 1,493 of 1,610,566 alleles (0.093%); highest among the groups gnomAD compares: African/African-American, 1.8%; 13 homozygotes.

Submissions (6):

CeGaT Center for Human Genetics Tuebingen
Classification: Benign. Last evaluated: 2026-05-01. Review status: criteria provided, single submitter. Criteria: CeGaT Center For Human Genetics Tuebingen Variant Classification Criteria Version 2. Collection method: clinical testing. Allele origin: germline. Affected: yes. Observed: 1 variant allele.
Comment: BLK: BS1, BS2

Labcorp Genetics (formerly Invitae), Labcorp
Classification: Benign. Last evaluated: 2025-12-29. Review status: criteria provided, single submitter. Criteria: Invitae Variant Classification Sherloc (09022015). Collection method: clinical testing. Allele origin: germline.

GeneDx
Classification: Likely benign. Last evaluated: 2020-12-14. Review status: criteria provided, single submitter. Criteria: GeneDx Variant Classification Process June 2021. Collection method: clinical testing. Allele origin: germline. Affected: yes.
Comment: This variant is associated with the following publications: (PMID: 24503134)

Personalized Diabetes Medicine Program, University of Maryland School of Medicine
Classification: Benign for Monogenic diabetes. Last evaluated: 2017-10-06. Review status: criteria provided, single submitter. Criteria: ACMG Guidelines, 2015. Collection method: research. Allele origin: unknown. Observed: 7 variant alleles, 7 heterozygotes. Study: Personalized Diabetes Medicine Program.
Comment: ACMG Criteria:PP3 (7 predictors), BP4 (3 predictors), BS1 (1.59% in Africans in 1000g), BS2 (4 homozygotes in ExAC; 29 controls in an online resource; TODAY 10/503 (0.01 MAF, greater than 1000G))

Genetic Services Laboratory, University of Chicago
Classification: Benign. Last evaluated: 2017-06-14. Review status: criteria provided, single submitter. Criteria: ACMG Guidelines, 2015. Collection method: clinical testing. Allele origin: germline. Affected: no.

Breakthrough Genomics
Classification: Likely benign. Review status: criteria provided, single submitter. Criteria: ACMG Guidelines, 2015. Collection method: not provided. Allele origin: germline. Inheritance: Autosomal dominant inheritance. Affected: yes.